The following is an entry in ClinVar:

ClinVar aggregate classification (germline): Uncertain significance (1 of 4 stars; one submission).

Submission:

Labcorp Genetics (formerly Invitae), Labcorp
Classification: Uncertain significance. Last evaluated: 2020-05-20. Review status: criteria provided, single submitter. Criteria: Invitae Variant Classification Sherloc (09022015). Collection method: clinical testing. Allele origin: germline.
Comment: In summary, the available evidence is currently insufficient to determine the role of this variant in disease. Therefore, it has been classified as a Variant of Uncertain Significance. Algorithms developed to predict the effect of missense changes on protein structure and function are either unavailable or do not agree on the potential impact of this missense change (SIFT: "Deleterious"; PolyPhen-2: "Probably Damaging"; Align-GVGD: "Class C0"). This variant has not been reported in the literature in individuals with HSPG2-related conditions. This variant is not present in population databases (ExAC no frequency). This sequence change replaces tyrosine with asparagine at codon 2023 of the HSPG2 protein (p.Tyr2023Asn). The tyrosine residue is weakly conserved and there is a large physicochemical difference between tyrosine and asparagine.

NM_005529.7(HSPG2):c.6067T>A (p.Tyr2023Asn)

Gene: HSPG2 (heparan sulfate proteoglycan 2; minus strand). Cytogenetic location: 1p36.12.
Variant type: single nucleotide variant.
Coding change: c.6067T>A on transcript NM_005529.7 (MANE Select); coding-DNA position 6067, T replaced by A.
Protein change: p.Tyr2023Asn; replaces tyrosine 2023 with asparagine.
Molecular consequence: missense variant.
Genome position (GRCh38, 1-based): chr1:21,854,914, A>T on the plus strand (T>A on the coding strand, the complement: HSPG2 is on the minus strand). VCF-style: chr1-21854914-A-T. GRCh37 (hg19) VCF-style: chr1-22181407-A-T.
Other names: c.6070T>A, p.Tyr2024Asn (NM_001291860.2); short protein forms Y2023N, Y2024N.
Identifiers: ClinVar variation 1041383 (VCV001041383.8), dbSNP rs1639213447, ClinGen allele CA338934767.
Genomic context (GRCh38, chr1:21,854,914, plus strand): 5'-GGACAACCACTTGGATCCGGGCCTGGGCAGTGCCTGCAGGGCTGGTGGCCACGCAGAGGT[A>T]GAAGCCGGCGTCAGCAGTCGTGATGGCTGGGATGAGCAGTGTCGCGATGTCTGTGCGCTC-3'
Protein context (NP_005520.4, residues 2013-2033): PAITTADAGF[Tyr2023Asn]LCVATSPAGT